The following is an entry in ClinVar:

ClinVar aggregate classification (germline): Conflicting classifications of pathogenicity. Review status: criteria provided, conflicting classifications (1 of 4 stars). 3 submissions from 3 submitters: Uncertain significance (1); Likely benign (2). Last evaluated 2025-09-24.

Conditions:
SLC24A1-related disorder. Also called: SLC24A1-related condition.

Allele frequency attached by ClinVar (database versions not stated): gnomAD exomes 0.00005 and 0.00012; 1000 Genomes Project 30x 0.00016; 1000 Genomes Project 0.00020; ExAC 0.00020; gnomAD 0.00043 and 0.00046; TOPMed 0.00044; ESP Exome Variant Server 0.00046.
gnomAD v4.1: 152 of 1,613,192 alleles (0.0094%); highest among the groups gnomAD compares: African/African-American, 0.15%; no homozygotes.

Submissions (3):

PreventionGenetics, part of Exact Sciences
Classification: Likely benign for SLC24A1-related condition. Last evaluated: 2025-09-24. Review status: criteria provided, single submitter. Criteria: ACMG Guidelines, 2015. Collection method: clinical testing. Allele origin: germline.
Comment: This variant is classified as likely benign based on ACMG/AMP sequence variant interpretation guidelines (Richards et al. 2015 PMID: 25741868, with internal and published modifications).

Labcorp Genetics (formerly Invitae), Labcorp
Classification: Uncertain significance. Last evaluated: 2025-01-06. Review status: criteria provided, single submitter. Criteria: Invitae Variant Classification Sherloc (09022015). Collection method: clinical testing. Allele origin: germline.
Comment: This sequence change replaces arginine, which is basic and polar, with cysteine, which is neutral and slightly polar, at codon 668 of the SLC24A1 protein (p.Arg668Cys). This variant is present in population databases (rs200758853, gnomAD 0.2%). This variant has not been reported in the literature in individuals affected with SLC24A1-related conditions. ClinVar contains an entry for this variant (Variation ID: 960270). An algorithm developed to predict the effect of missense changes on protein structure and function (PolyPhen-2) suggests that this variant¬†is likely to be tolerated. In summary, the available evidence is currently insufficient to determine the role of this variant in disease. Therefore, it has been classified as a Variant of Uncertain Significance.

Blueprint Genetics
Classification: Likely benign. Last evaluated: 2024-08-06. Review status: criteria provided, single submitter. Criteria: ACMG Guidelines, 2015. Collection method: clinical testing. Allele origin: germline.

NM_004727.3(SLC24A1):c.2002C>T (p.Arg668Cys)

Gene: SLC24A1 (solute carrier family 24 member 1; plus strand). Cytogenetic location: 15q22.31.
Variant type: single nucleotide variant.
Coding change: c.2002C>T on transcript NM_004727.3 (MANE Select); coding-DNA position 2002, C replaced by T.
Protein change: p.Arg668Cys; replaces arginine 668 with cysteine.
Molecular consequence: missense variant.
Genome position (GRCh38, 1-based): chr15:65,639,652, C>T. VCF-style: chr15-65639652-C-T. GRCh37 (hg19) VCF-style: chr15-65931990-C-T.
Other names: c.2002C>T, p.Arg668Cys (NM_001301031.1); c.1948C>T, p.Arg650Cys (NM_001301032.1, NM_001301033.2); short protein forms R650C, R668C.
Identifiers: ClinVar variation 960270 (VCV000960270.8), dbSNP rs200758853, ClinGen allele CA7620054.